The following is an entry in ClinVar:

NM_000155.4(GALT):c.253-1G>A

Gene: GALT (galactose-1-phosphate uridylyltransferase; plus strand). Cytogenetic location: 9p13.3.
Variant type: single nucleotide variant.
Coding change: c.253-1G>A on transcript NM_000155.4 (MANE Select); the canonical splice acceptor site of the intron before coding-DNA position 253, G replaced by A.
Molecular consequence: splice acceptor variant. On other transcripts: intron variant (1).
Genome position (GRCh38, 1-based): chr9:34,647,491, G>A. VCF-style: chr9-34647491-G-A. GRCh37 (hg19) VCF-style: chr9-34647488-G-A.
Other names: c.50+233G>A (NM_001258332.2); c.253-1G>A (NM_000155.3).
Identifiers: ClinVar variation 3064714 (VCV003064714.3), dbSNP rs1587237799, ClinGen allele CA373279043.
Genomic context (GRCh38, chr9:34,647,491, plus strand): 5'-AGCCCACCAGGTAACTGGTGGTATGGGGCAGTGAGTGCTTCTAGCCTATCCTTGTCGGTA[G>A]GTGAATCCCCAGTACGATAGCACCTTCCTGTTTGACAACGACTTCCCAGCTCTGCAGCCT-3'

ClinVar aggregate classification (germline): Pathogenic/Likely pathogenic. Review status: criteria provided, multiple submitters, no conflicts (2 of 4 stars). 2 submissions from 2 submitters: Pathogenic (1); Likely pathogenic (1). Last evaluated 2025-05-21.

Conditions:
Galactosemia. Also called: Galactose intolerance. Identifiers: Orphanet 352, MedGen C0016952, MONDO:0018116, HP:0004919. Disease mechanism: loss of function.
Deficiency of UDPglucose-hexose-1-phosphate uridylyltransferase. Also called: GALACTOSE-1-PHOSPHATE URIDYLYLTRANSFERASE DEFICIENCY; Transferase Deficiency Galactosemia; GALACTOSEMIA I; GALT deficiency; Galactosemia, classic. Identifiers: Orphanet 352, Orphanet 79239, MedGen C0268151, MONDO:0009258, OMIM 230400.

Submissions (2):

Natera, Inc.
Classification: Pathogenic for Galactosemia. Last evaluated: 2025-05-21. Review status: criteria provided, single submitter. Criteria: Natera Variant Classification Schema (03/2026). Collection method: clinical testing. Allele origin: germline.
Comment: The c.253-1G>A variant in GALT is a canonical splice acceptor site variant predicted to affect pre-mRNA splicing, which may result in an abnormal transcript and altered protein product. This variant is expected to result in nonsense mediated decay, truncation, or a dysfunctional protein product. This variant is rare in the general population with a frequency below the threshold expected for the associated phenotype(s). Another variant at this same site results in an alteration predicted to cause a similar molecular effect has been observed in individual(s) with the associated phenotype. Given the available evidence, this variant is classified as Pathogenic.

Genomic Medicine Center of Excellence, King Faisal Specialist Hospital and Research Centre
Classification: Likely pathogenic for Deficiency of UDPglucose-hexose-1-phosphate uridylyltransferase. Last evaluated: 2024-03-29. Review status: criteria provided, single submitter. Criteria: ACMG Guidelines, 2015. Collection method: clinical testing. Allele origin: germline.